The following is an entry in ClinVar:

ClinVar aggregate classification (germline): Likely benign (1 of 4 stars; one submission).

Submission:

CeGaT Center for Human Genetics Tuebingen
Classification: Likely benign. Last evaluated: 2022-10-01. Review status: criteria provided, single submitter. Criteria: CeGaT Center For Human Genetics Tuebingen Variant Classification Criteria Version 2. Collection method: clinical testing. Allele origin: germline. Affected: yes. Observed: 1 variant allele.
Comment: BFSP1: PM2:Supporting, BP4, BP7

NM_001195.5(BFSP1):c.1749A>C (p.Pro583=)

Gene: BFSP1 (beaded filament structural protein 1; minus strand). Cytogenetic location: 20p12.1.
Variant type: single nucleotide variant.
Coding change: c.1749A>C on transcript NM_001195.5 (MANE Select); coding-DNA position 1749, A replaced by C.
Protein change: p.Pro583=; no amino-acid change (proline 583 retained).
Molecular consequence: synonymous variant.
Genome position (GRCh38, 1-based): chr20:17,494,323, T>G on the plus strand (A>C on the coding strand, the complement: BFSP1 is on the minus strand). VCF-style: chr20-17494323-T-G. GRCh37 (hg19) VCF-style: chr20-17474968-T-G.
Other names: c.1374A>C, p.Pro458= (NM_001161705.2); c.1332A>C, p.Pro444= (NM_001278606.2, NM_001278608.2); c.1416A>C, p.Pro472= (NM_001278607.2); c.1641A>C, p.Pro547= (NM_001424338.1).
Identifiers: ClinVar variation 2652210 (VCV002652210.24), dbSNP rs6080718, ClinGen allele CA509809732.
Genomic context (GRCh38, chr20:17,494,323, plus strand): 5'-AGTCCCAAGCACCTCAGCTCCATCCTGATCAGCCGCAGGCTTTGGAGGCTCAGGTATAGA[T>G]GGTTCCTCTGCACCGGGTGTGACCATGGCACAGGGTCTCCTGGACTCTTCGTCCCGCTCC-3'
Protein context (NP_001186.1, residues 573-593): CAMVTPGAEE[Pro583=]SIPEPPKPAA